The following is an entry in ClinVar:

ClinVar aggregate classification (germline): Uncertain significance. Review status: criteria provided, multiple submitters, no conflicts (2 of 4 stars). 2 submissions from 2 submitters: Uncertain significance (2). Last evaluated 2025-12-15.

Conditions:
Cardiovascular phenotype. Identifiers: MedGen CN230736.
Walker-Warburg congenital muscular dystrophy. Also called: Muscular dystrophy-dystroglycanopathy, type A; Walker-Warburg syndrome. Identifiers: Orphanet 899, MedGen C0265221, MONDO:0000171.

gnomAD v4.1: 1 of 1,608,656 alleles (0.000062%); highest among the groups gnomAD compares: Non-Finnish European, 0.000085%; no homozygotes.

Submissions (2):

Ambry Genetics
Classification: Uncertain significance for Cardiovascular phenotype. Last evaluated: 2025-12-15. Review status: criteria provided, single submitter. Criteria: Ambry Variant Classification Scheme 2023. Collection method: clinical testing. Allele origin: germline.
Comment: The p.V9L variant (also known as c.25G>C), located in coding exon 1 of the FKTN gene, results from a G to C substitution at nucleotide position 25. The valine at codon 9 is replaced by leucine, an amino acid with highly similar properties. This amino acid position is well conserved in available vertebrate species. In addition, the in silico prediction for this alteration is inconclusive. Based on the available evidence, the clinical significance of this variant remains unclear.

Labcorp Genetics (formerly Invitae), Labcorp
Classification: Uncertain significance for Walker-Warburg congenital muscular dystrophy. Last evaluated: 2021-08-31. Review status: criteria provided, single submitter. Criteria: Invitae Variant Classification Sherloc (09022015). Collection method: clinical testing. Allele origin: germline.
Comment: This sequence change replaces valine with leucine at codon 9 of the FKTN protein (p.Val9Leu). The valine residue is highly conserved and there is a small physicochemical difference between valine and leucine. This variant is not present in population databases (ExAC no frequency). This variant has not been reported in the literature in individuals affected with FKTN-related conditions. Algorithms developed to predict the effect of missense changes on protein structure and function output the following: SIFT: "Tolerated"; PolyPhen-2: "Benign"; Align-GVGD: "Class C0". The leucine amino acid residue is found in multiple mammalian species, which suggests that this missense change does not adversely affect protein function. In summary, the available evidence is currently insufficient to determine the role of this variant in disease. Therefore, it has been classified as a Variant of Uncertain Significance.

NM_001079802.2(FKTN):c.25G>C (p.Val9Leu)

Gene: FKTN (fukutin; plus strand). Cytogenetic location: 9q31.2.
Variant type: single nucleotide variant.
Coding change: c.25G>C on transcript NM_001079802.2 (MANE Select); coding-DNA position 25, G replaced by C.
Protein change: p.Val9Leu; replaces valine 9 with leucine.
Molecular consequence: missense variant. On other transcripts: 5 prime UTR variant (5), non-coding transcript variant (2).
Genome position (GRCh38, 1-based): chr9:105,575,057, G>C. VCF-style: chr9-105575057-G-C. GRCh37 (hg19) VCF-style: chr9-108337338-G-C.
Other names: c.25G>C (NM_001079802.1); c.25G>C, p.Val9Leu (NM_001198963.2, NM_001351496.2, NM_001351498.2 and 1 more transcripts); c.-143G>C (NM_001351497.2); c.-490G>C (NM_001351499.2, NM_001351500.2, NM_001351501.2 and 1 more transcripts); short protein forms V9L.
Identifiers: ClinVar variation 1060463 (VCV001060463.7), dbSNP rs145387221, ClinGen allele CA374330830.